The following is an entry in ClinVar:

ClinVar aggregate classification (germline): Uncertain significance (1 of 4 stars; one submission).

Conditions:
Hereditary cancer-predisposing syndrome. Also called: Neoplastic Syndromes, Hereditary; Tumor predisposition; Hereditary Cancer Syndrome; Hereditary neoplastic syndrome. Identifiers: Orphanet 140162, MedGen C0027672, MeSH D009386, MONDO:0015356.

Submission:

Color Diagnostics, LLC DBA Color Health
Classification: Uncertain significance for Hereditary cancer-predisposing syndrome. Last evaluated: 2024-06-12. Review status: criteria provided, single submitter. Criteria: ACMG Guidelines, 2015. Collection method: clinical testing. Allele origin: germline.
Comment: This missense variant replaces glutamic acid with aspartic acid at codon 392 of the PALB2 protein. Computational prediction suggests that this variant may not impact protein structure and function (internally defined REVEL score threshold <= 0.5, PMID: 27666373). To our knowledge, functional studies have not been reported for this variant. This variant has not been reported in individuals affected with PALB2-related disorders in the literature. This variant has not been identified in the general population by the Genome Aggregation Database (gnomAD). The available evidence is insufficient to determine the role of this variant in disease conclusively. Therefore, this variant is classified as a Variant of Uncertain Significance.

NM_024675.4(PALB2):c.1176A>T (p.Glu392Asp)

Gene: PALB2 (partner and localizer of BRCA2; minus strand). Cytogenetic location: 16p12.2.
Variant type: single nucleotide variant.
Coding change: c.1176A>T on transcript NM_024675.4 (MANE Select); coding-DNA position 1176, A replaced by T.
Protein change: p.Glu392Asp; replaces glutamic acid 392 with aspartic acid.
Molecular consequence: missense variant. On other transcripts: intron variant (3).
Genome position (GRCh38, 1-based): chr16:23,635,370, T>A on the plus strand (A>T on the coding strand, the complement: PALB2 is on the minus strand). VCF-style: chr16-23635370-T-A. GRCh37 (hg19) VCF-style: chr16-23646691-T-A.
Other names: c.1116A>T, p.Glu372Asp (NM_001407296.1); c.1176A>T, p.Glu392Asp (NM_001407297.1, NM_001407298.1, NM_001407299.1 and 3 more transcripts); c.291A>T, p.Glu97Asp (NM_001407304.1, NM_001407305.1, NM_001407306.1 and 5 more transcripts); c.48+5740A>T (NM_001407314.1); c.-104-4901A>T (NM_001407313.1, NM_001407312.1); short protein forms E372D, E392D, E97D.
Identifiers: ClinVar variation 3893962 (VCV003893962.1).